The following is an entry in ClinVar:

NM_001253697.2(ERBIN):c.257C>T (p.Ala86Val)

Gene: ERBIN (erbb2 interacting protein; plus strand). Cytogenetic location: 5q12.3.
Variant type: single nucleotide variant.
Coding change: c.257C>T on transcript NM_001253697.2 (MANE Select); coding-DNA position 257, C replaced by T.
Protein change: p.Ala86Val; replaces alanine 86 with valine.
Molecular consequence: missense variant.
Genome position (GRCh38, 1-based): chr5:65,994,814, C>T. VCF-style: chr5-65994814-C-T. GRCh37 (hg19) VCF-style: chr5-65290642-C-T.
Other names: c.257C>T, p.Ala86Val (NM_001006600.3, NM_001253698.2, NM_001253699.2 and 2 more transcripts); short protein forms A86V.
Identifiers: ClinVar variation 1500603 (VCV001500603.6), dbSNP rs780177969, ClinGen allele CA3285855.

ClinVar aggregate classification (germline): Uncertain significance (1 of 4 stars; one submission).

Allele frequency attached by ClinVar (database versions not stated): ExAC 0.00002; gnomAD 0.00002; gnomAD exomes 0.00002 and 0.00004; TOPMed 0.00002.
gnomAD v4.1: 57 of 1,608,928 alleles (0.0035%); highest among the groups gnomAD compares: Non-Finnish European, 0.0044%; no homozygotes.

Submission:

Labcorp Genetics (formerly Invitae), Labcorp
Classification: Uncertain significance. Last evaluated: 2025-04-23. Review status: criteria provided, single submitter. Criteria: Invitae Variant Classification Sherloc (09022015). Collection method: clinical testing. Allele origin: germline.
Comment: This sequence change replaces alanine, which is neutral and non-polar, with valine, which is neutral and non-polar, at codon 86 of the ERBIN protein (p.Ala86Val). This variant is present in population databases (rs780177969, gnomAD 0.004%). This variant has not been reported in the literature in individuals affected with ERBIN-related conditions. ClinVar contains an entry for this variant (Variation ID: 1500603). An algorithm developed to predict the effect of missense changes on protein structure and function (PolyPhen-2) suggests that this variant is likely to be disruptive. In summary, the available evidence is currently insufficient to determine the role of this variant in disease. Therefore, it has been classified as a Variant of Uncertain Significance.